The following is an entry in ClinVar:

NM_000065.5(C6):c.143G>A (p.Arg48Lys)

Gene: C6 (complement C6; minus strand). Cytogenetic location: 5p13.1.
Variant type: single nucleotide variant.
Coding change: c.143G>A on transcript NM_000065.5 (MANE Select); coding-DNA position 143, G replaced by A.
Protein change: p.Arg48Lys; replaces arginine 48 with lysine.
Molecular consequence: missense variant.
Genome position (GRCh38, 1-based): chr5:41,203,088, C>T on the plus strand (G>A on the coding strand, the complement: C6 is on the minus strand). VCF-style: chr5-41203088-C-T. GRCh37 (hg19) VCF-style: chr5-41203190-C-T.
Other names: c.143G>A, p.Arg48Lys (NM_001115131.4); short protein forms R48K.
Identifiers: ClinVar variation 996839 (VCV000996839.6), dbSNP rs145422926, ClinGen allele CA3252891.
Genomic context (GRCh38, chr5:41,203,088, plus strand): 5'-GCTGACTTCATCCTTGAGTCCTTCCAGGACACAAAGAAAAGCCACAAAGCTCACACCCAC[C>T]TGTGTCTGCTCTGGGTTCCAGAATTGCAAGTTTTTGAGCAGCTGGTCCACTGAGTCCATG-3'
Protein context (NP_000056.2, residues 38-58): TCNSGTQSRH[Arg48Lys]QIVVDKYYQE

ClinVar aggregate classification (germline): Uncertain significance. Review status: criteria provided, multiple submitters, no conflicts (2 of 4 stars). 4 submissions from 4 submitters: Uncertain significance (4). Last evaluated 2024-10-22.

Conditions:
Complement component 6 deficiency (C6D). Also called: C6 DEFICIENCY. Identifiers: MedGen C2676232, MONDO:0012908, OMIM 612446.

Allele frequency attached by ClinVar (database versions not stated): gnomAD 0.00019 and 0.00021; gnomAD exomes 0.00023 and 0.00030; TOPMed 0.00023; ExAC 0.00025; ESP Exome Variant Server 0.00031.

Submissions (4):

Blueprint Genetics
Classification: Uncertain significance. Last evaluated: 2024-10-22. Review status: criteria provided, single submitter. Criteria: ACMG Guidelines, 2015. Collection method: clinical testing. Allele origin: germline.

Labcorp Genetics (formerly Invitae), Labcorp
Classification: Uncertain significance. Last evaluated: 2022-09-26. Review status: criteria provided, single submitter. Criteria: Invitae Variant Classification Sherloc (09022015). Collection method: clinical testing. Allele origin: germline.
Comment: This sequence change replaces arginine, which is basic and polar, with lysine, which is basic and polar, at codon 48 of the C6 protein (p.Arg48Lys). This variant also falls at the last nucleotide of exon 2, which is part of the consensus splice site for this exon. This variant is present in population databases (rs145422926, gnomAD 0.04%). This missense change has been observed in individual(s) with clinical features of C6-related conditions (PMID: 31440263). ClinVar contains an entry for this variant (Variation ID: 996839). Algorithms developed to predict the effect of missense changes on protein structure and function are either unavailable or do not agree on the potential impact of this missense change (SIFT: "Deleterious"; PolyPhen-2: "Possibly Damaging"; Align-GVGD: "Class C0"). Variants that disrupt the consensus splice site are a relatively common cause of aberrant splicing (PMID: 17576681, 9536098). Algorithms developed to predict the effect of sequence changes on RNA splicing suggest that this variant may disrupt the consensus splice site. In summary, the available evidence is currently insufficient to determine the role of this variant in disease. Therefore, it has been classified as a Variant of Uncertain Significance.

Fulgent Genetics
Classification: Uncertain significance for Complement component 6 deficiency. Last evaluated: 2022-04-18. Review status: criteria provided, single submitter. Criteria: ACMG Guidelines, 2015. Collection method: clinical testing. Allele origin: unknown.

New York Genome Center
Classification: Uncertain significance for Complement component 6 deficiency. Last evaluated: 2019-09-10. Review status: criteria provided, single submitter. Criteria: NYGC Assertion Criteria 2020. Collection method: clinical testing. Allele origin: maternal. Observed: 1 heterozygote. Study: CSER-NYCKidSeq. Segregation with disease not observed.

Literature cited by the submitters: PubMed 31440263 (cited by Labcorp Genetics (formerly Invitae), Labcorp); PubMed 17576681 (cited by Labcorp Genetics (formerly Invitae), Labcorp); PubMed 9536098 (cited by Labcorp Genetics (formerly Invitae), Labcorp).